The following is an entry in ClinVar:

NM_000245.4(MET):c.1929C>T (p.Gly643=)

Gene: MET (MET proto-oncogene, receptor tyrosine kinase; plus strand). Cytogenetic location: 7q31.2.
Variant type: single nucleotide variant.
Coding change: c.1929C>T on transcript NM_000245.4 (MANE Select); coding-DNA position 1929, C replaced by T.
Protein change: p.Gly643=; no amino-acid change (glycine 643 retained).
Molecular consequence: synonymous variant.
Genome position (GRCh38, 1-based): chr7:116,757,503, C>T. VCF-style: chr7-116757503-C-T. GRCh37 (hg19) VCF-style: chr7-116397557-C-T.
Other names: c.1929C>T, p.Gly643= (NM_001127500.3, NM_001324401.3); c.639C>T, p.Gly213= (NM_001324402.2).
Identifiers: ClinVar variation 1782818 (VCV001782818.3), dbSNP rs2485711195, ClinGen allele CA457216424.

ClinVar aggregate classification (germline): Benign/Likely benign. Review status: criteria provided, multiple submitters, no conflicts (2 of 4 stars). 2 submissions from 2 submitters: Benign (1); Likely benign (1). Last evaluated 2024-11-08.

Conditions:
Hereditary cancer-predisposing syndrome. Also called: Neoplastic Syndromes, Hereditary; Tumor predisposition; Hereditary Cancer Syndrome; Hereditary neoplastic syndrome. Identifiers: Orphanet 140162, MedGen C0027672, MeSH D009386, MONDO:0015356.
Papillary renal cell carcinoma type 1 (RCCP1). Also called: RENAL CELL CARCINOMA, PAPILLARY, 1, SOMATIC; Renal adenocarcinoma; Renal cell carcinoma 1; Renal cell carcinoma, somatic. Identifiers: Orphanet 47044, MedGen C1336839, OMIM 605074, HP:0011797.

Submissions (2):

Myriad Genetics, Inc.
Classification: Benign for Papillary renal cell carcinoma type 1. Last evaluated: 2024-11-08. Review status: criteria provided, single submitter. Criteria: Myriad Autosomal Dominant, Autosomal Recessive and X-Linked Classification Criteria (2023). Collection method: clinical testing. Allele origin: unknown.
Comment: This variant is considered benign. This variant is a silent/synonymous amino acid change and it is not expected to impact splicing.

Ambry Genetics
Classification: Likely benign for Hereditary cancer-predisposing syndrome. Last evaluated: 2021-07-16. Review status: criteria provided, single submitter. Criteria: Ambry Variant Classification Scheme 2023. Collection method: clinical testing. Allele origin: germline.